The following is an entry in ClinVar:

NM_000091.5(COL4A3):c.1885dup (p.Thr629fs)

Genes: COL4A3 (collagen type IV alpha 3 chain; plus strand), MFF-DT (MFF divergent transcript; minus strand). Cytogenetic location: 2q36.3.
Variant type: Duplication.
Coding change: c.1885dup on transcript NM_000091.5 (MANE Select); coding-DNA position 1885, one base duplicated (A; older notation c.1885dupA).
Protein change: p.Thr629fs; shifts the reading frame from threonine 629.
Molecular consequence: frameshift variant.
Genome position (GRCh38, 1-based): chr2:227,273,075, A duplicated. VCF-style (leftmost placement, unchanged base first): chr2-227273074-C-CA. GRCh37 (hg19) VCF-style: chr2-228137790-C-CA.
Other names: short protein forms T629fs.
Identifiers: ClinVar variation 1460330 (VCV001460330.6), dbSNP rs2125996551, ClinGen allele CA2573135513.
Genomic context (GRCh38, chr2:227,273,074, plus strand): 5'-ACCTGCAGGACCAGCTGGACCACCTGGCTACGGACCCCAAGGAGAACCTGGTCTCCAGGG[C>CA]ACGCAAGGAGTTCCTGGAGCCCCCGGACCACCCGGAGAAGCCGGTTGGTTAGTTTTCTTT-3'

ClinVar aggregate classification (germline): Pathogenic (1 of 4 stars; one submission).

Submission:

Labcorp Genetics (formerly Invitae), Labcorp
Classification: Pathogenic. Last evaluated: 2021-08-17. Review status: criteria provided, single submitter. Criteria: Invitae Variant Classification Sherloc (09022015). Collection method: clinical testing. Allele origin: germline.
Comment: For these reasons, this variant has been classified as Pathogenic. This variant has not been reported in the literature in individuals affected with COL4A3-related conditions. This variant is not present in population databases (ExAC no frequency). This sequence change creates a premature translational stop signal (p.Thr629Asnfs*17) in the COL4A3 gene. It is expected to result in an absent or disrupted protein product. Loss-of-function variants in COL4A3 are known to be pathogenic (PMID: 8956999, 24854265, 26809805, 27281700).

Literature cited by the submitters: PubMed 8956999; PubMed 24854265; PubMed 26809805; PubMed 27281700.